The following is an entry in ClinVar:

NM_001999.4(FBN2):c.5015G>A (p.Ser1672Asn)

Gene: FBN2 (fibrillin 2; minus strand). Cytogenetic location: 5q23.3.
Variant type: single nucleotide variant.
Coding change: c.5015G>A on transcript NM_001999.4 (MANE Select); coding-DNA position 5015, G replaced by A.
Protein change: p.Ser1672Asn; replaces serine 1672 with asparagine.
Molecular consequence: missense variant.
Genome position (GRCh38, 1-based): chr5:128,311,359, C>T on the plus strand (G>A on the coding strand, the complement: FBN2 is on the minus strand). VCF-style: chr5-128311359-C-T. GRCh37 (hg19) VCF-style: chr5-127647051-C-T.
Other names: short protein forms S1672N.
Identifiers: ClinVar variation 1523197 (VCV001523197.8), dbSNP rs1018411631, ClinGen allele CA126989286.

ClinVar aggregate classification (germline): Uncertain significance. Review status: criteria provided, multiple submitters, no conflicts (2 of 4 stars). 2 submissions from 2 submitters: Uncertain significance (2). Last evaluated 2025-04-29.

Conditions:
Congenital contractural arachnodactyly (CCA). Also called: Beals-Hecht syndrome; Arthrogryposis, distal, type 9; BEALS SYNDROME. Identifiers: Orphanet 115, MedGen C0220668, MONDO:0007363, OMIM 121050.

Allele frequency attached by ClinVar (database versions not stated): gnomAD exomes below 0.00001 and 0.00001; gnomAD 0.00001 and 0.00002; TOPMed 0.00003.
gnomAD v4.1: 6 of 1,613,946 alleles (0.00037%); highest among the groups gnomAD compares: Non-Finnish European, 0.00051%; no homozygotes.

Submissions (2):

Women's Health and Genetics/Laboratory Corporation of America, LabCorp
Classification: Uncertain significance. Last evaluated: 2025-04-29. Review status: criteria provided, single submitter. Criteria: LabCorp Variant Classification Summary - May 2015. Collection method: clinical testing. Allele origin: germline.

Labcorp Genetics (formerly Invitae), Labcorp
Classification: Uncertain significance for Congenital contractural arachnodactyly. Last evaluated: 2021-11-03. Review status: criteria provided, single submitter. Criteria: Invitae Variant Classification Sherloc (09022015). Collection method: clinical testing. Allele origin: germline.
Comment: In summary, the available evidence is currently insufficient to determine the role of this variant in disease. Therefore, it has been classified as a Variant of Uncertain Significance. Advanced modeling of protein sequence and biophysical properties (such as structural, functional, and spatial information, amino acid conservation, physicochemical variation, residue mobility, and thermodynamic stability) performed at Invitae indicates that this missense variant is not expected to disrupt FBN2 protein function. This variant has not been reported in the literature in individuals affected with FBN2-related conditions. This variant is present in population databases (no rsID available, gnomAD 0.0009%). This sequence change replaces serine, which is neutral and polar, with asparagine, which is neutral and polar, at codon 1672 of the FBN2 protein (p.Ser1672Asn).